The following is an entry in ClinVar:

NM_015268.4(DNAJC13):c.6111A>G (p.Ala2037=)

Gene: DNAJC13 (DnaJ heat shock protein family (Hsp40) member C13; plus strand). Cytogenetic location: 3q22.1.
Variant type: single nucleotide variant.
Coding change: c.6111A>G on transcript NM_015268.4 (MANE Select); coding-DNA position 6111, A replaced by G.
Protein change: p.Ala2037=; no amino-acid change (alanine 2037 retained).
Molecular consequence: synonymous variant.
Genome position (GRCh38, 1-based): chr3:132,525,660, A>G. VCF-style: chr3-132525660-A-G. GRCh37 (hg19) VCF-style: chr3-132244504-A-G.
Other names: c.6126A>G, p.Ala2042= (NM_001329126.2).
Identifiers: ClinVar variation 2654157 (VCV002654157.25), dbSNP rs146881465, ClinGen allele CA2620041.

ClinVar aggregate classification (germline): Likely benign. Review status: criteria provided, multiple submitters, no conflicts (2 of 4 stars). 2 submissions from 2 submitters: Likely benign (2). Last evaluated 2025-11-01.

Allele frequency attached by ClinVar (database versions not stated): 1000 Genomes Project 30x 0.00016; 1000 Genomes Project 0.00020; ExAC 0.00051; TOPMed 0.00068; gnomAD 0.00072; ESP Exome Variant Server 0.00085; gnomAD exomes 0.00116.
gnomAD v4.1: 1,781 of 1,614,202 alleles (0.11%); highest among the groups gnomAD compares: Non-Finnish European, 0.14%; no homozygotes.

Submissions (2):

CeGaT Center for Human Genetics Tuebingen
Classification: Likely benign. Last evaluated: 2025-11-01. Review status: criteria provided, single submitter. Criteria: CeGaT Center For Human Genetics Tuebingen Variant Classification Criteria Version 2. Collection method: clinical testing. Allele origin: germline. Affected: yes. Observed: 3 variant alleles.
Comment: DNAJC13: BP4, BP7

Blueprint Genetics
Classification: Likely benign. Last evaluated: 2024-11-23. Review status: criteria provided, single submitter. Criteria: ACMG Guidelines, 2015. Collection method: clinical testing. Allele origin: germline.